The following is an entry in ClinVar:

ClinVar aggregate classification (germline): Uncertain significance (1 of 4 stars; one submission).

gnomAD v4.1: 5 of 1,608,012 alleles (0.00031%); highest among the groups gnomAD compares: Non-Finnish European, 0.00034%; no homozygotes.

Submission:

Labcorp Genetics (formerly Invitae), Labcorp
Classification: Uncertain significance. Last evaluated: 2023-03-04. Review status: criteria provided, single submitter. Criteria: Invitae Variant Classification Sherloc (09022015). Collection method: clinical testing. Allele origin: germline.
Comment: In summary, the available evidence is currently insufficient to determine the role of this variant in disease. Therefore, it has been classified as a Variant of Uncertain Significance. Advanced modeling of protein sequence and biophysical properties (such as structural, functional, and spatial information, amino acid conservation, physicochemical variation, residue mobility, and thermodynamic stability) performed at Invitae indicates that this missense variant is not expected to disrupt OPA1 protein function. ClinVar contains an entry for this variant (Variation ID: 1718369). This variant has not been reported in the literature in individuals affected with OPA1-related conditions. This variant is not present in population databases (gnomAD no frequency). This sequence change replaces methionine, which is neutral and non-polar, with leucine, which is neutral and non-polar, at codon 533 of the OPA1 protein (p.Met533Leu).

NM_130837.3(OPA1):c.1762A>C (p.Met588Leu)

Genes: OPA1 (OPA1 mitochondrial dynamin like GTPase; plus strand), LOC126806913 (BRD4-independent group 4 enhancer GRCh37_chr3:193364377-193365576; plus strand). Cytogenetic location: 3q29.
Variant type: single nucleotide variant.
Coding change: c.1762A>C on transcript NM_130837.3 (MANE Select); coding-DNA position 1762, A replaced by C.
Protein change: p.Met588Leu; replaces methionine 588 with leucine.
Molecular consequence: missense variant.
Genome position (GRCh38, 1-based): chr3:193,647,072, A>C. VCF-style: chr3-193647072-A-C. GRCh37 (hg19) VCF-style: chr3-193364861-A-C.
Other names: c.1228A>C, p.Met410Leu (NM_001354663.2); c.1225A>C, p.Met409Leu (NM_001354664.2); c.1597A>C, p.Met533Leu (NM_015560.3); c.1489A>C, p.Met497Leu (NM_130831.3); c.1543A>C, p.Met515Leu (NM_130832.3); c.1600A>C, p.Met534Leu (NM_130833.3); c.1651A>C, p.Met551Leu (NM_130834.3); c.1654A>C, p.Met552Leu (NM_130835.3); and 1 more; short protein forms M409L, M410L, M497L, M515L, M533L, M534L, M551L, M552L.
Identifiers: ClinVar variation 1718369 (VCV001718369.6), dbSNP rs142520373, ClinGen allele CA355790359.